The following is an entry in ClinVar:

ClinVar aggregate classification (germline): Uncertain significance. Review status: criteria provided, multiple submitters, no conflicts (2 of 4 stars). 4 submissions from 4 submitters: Uncertain significance (4). Last evaluated 2025-11-12.

Conditions:
Familial thoracic aortic aneurysm and aortic dissection (TAAD). Also called: Thoracic aortic aneurysms and dissections. Identifiers: Orphanet 91387, MedGen C4707243, MONDO:0019625.
Ehlers-Danlos syndrome, type 4 (EDSVASC). Also called: Ehlers-Danlos syndrome vascular type; Ehlers Danlos syndrome, ecchymotic type; Ehlers Danlos syndrome, arterial type; Ehlers Danlos syndrome, Sack-Barabas type; Ehlers-Danlos Syndrome Type IV. Identifiers: Orphanet 286, MedGen C0268338, MONDO:0017314, OMIM 130050.

Allele frequency attached by ClinVar (database versions not stated): gnomAD exomes 0.00002 and 0.00005; gnomAD 0.00003; TOPMed 0.00003; ExAC 0.00002.
gnomAD v4.1: 18 of 1,613,920 alleles (0.0011%); highest among the groups gnomAD compares: Admixed American, 0.03%; no homozygotes.

Submissions (4):

Labcorp Genetics (formerly Invitae), Labcorp
Classification: Uncertain significance for Ehlers-Danlos syndrome, type 4. Last evaluated: 2025-11-12. Review status: criteria provided, single submitter. Criteria: Invitae Variant Classification Sherloc (09022015). Collection method: clinical testing. Allele origin: germline.
Comment: This sequence change replaces histidine, which is basic and polar, with tyrosine, which is neutral and polar, at codon 1156 of the COL3A1 protein (p.His1156Tyr). This variant is present in population databases (rs776814693, gnomAD 0.04%). This variant has not been reported in the literature in individuals affected with COL3A1-related conditions. ClinVar contains an entry for this variant (Variation ID: 661052). Invitae Evidence Modeling of protein sequence and biophysical properties (such as structural, functional, and spatial information, amino acid conservation, physicochemical variation, residue mobility, and thermodynamic stability) indicates that this missense variant is not expected to disrupt COL3A1 protein function with a negative predictive value of 95%. In summary, the available evidence is currently insufficient to determine the role of this variant in disease. Therefore, it has been classified as a Variant of Uncertain Significance.

All of Us Research Program, National Institutes of Health
Classification: Uncertain significance for Ehlers-Danlos syndrome, type 4. Last evaluated: 2024-07-20. Review status: criteria provided, single submitter. Criteria: ACMG Guidelines, 2015. Collection method: clinical testing. Allele origin: germline. Inheritance: Autosomal dominant inheritance. Observed: 7 variant alleles, 7 heterozygotes.
Comment: This missense variant replaces histidine with tyrosine at codon 1156 of the COL3A1 protein. Computational prediction suggests that this variant may not impact protein structure and function (internally defined REVEL score threshold <= 0.5, PMID: 27666373). To our knowledge, functional studies have not been reported for this variant. This variant has not been reported in individuals affected with COL3A1-related disorders in the literature. This variant has been identified in 13/250868 chromosomes in the general population by the Genome Aggregation Database (gnomAD). The available evidence is insufficient to determine the role of this variant in disease conclusively. Therefore, this variant is classified as a Variant of Uncertain Significance.

This study involves interpretation of variants in research participants for the purpose of population health screening. Participant phenotype was not available at the time of variant classification. Additional details can be found in publication PMID: 35346344, PMCID: PMC8962531

Color Diagnostics, LLC DBA Color Health
Classification: Uncertain significance for Familial thoracic aortic aneurysm and aortic dissection. Last evaluated: 2024-02-04. Review status: criteria provided, single submitter. Criteria: ACMG Guidelines, 2015. Collection method: clinical testing. Allele origin: germline.
Comment: This missense variant replaces histidine with tyrosine at codon 1156 of the COL3A1 protein. Computational prediction suggests that this variant may not impact protein structure and function (internally defined REVEL score threshold <= 0.5, PMID: 27666373). To our knowledge, functional studies have not been reported for this variant. This variant has not been reported in individuals affected with COL3A1-related disorders in the literature. This variant has been identified in 13/250868 chromosomes in the general population by the Genome Aggregation Database (gnomAD). The available evidence is insufficient to determine the role of this variant in disease conclusively. Therefore, this variant is classified as a Variant of Uncertain Significance.

Ambry Genetics
Classification: Uncertain significance for Familial thoracic aortic aneurysm and aortic dissection. Last evaluated: 2018-11-20. Review status: criteria provided, single submitter. Criteria: Ambry Variant Classification Scheme 2023. Collection method: clinical testing. Allele origin: germline.
Comment: The p.H1156Y variant (also known as c.3466C>T), located in coding exon 47 of the COL3A1 gene, results from a C to T substitution at nucleotide position 3466. The histidine at codon 1156 is replaced by tyrosine, an amino acid with similar properties. This amino acid position is not well conserved in available vertebrate species, and tyrosine is the reference amino acid in other vertebrate species. In addition, this alteration is predicted to be tolerated by in silico analysis. Since supporting evidence is limited at this time, the clinical significance of this alteration remains unclear.

NM_000090.4(COL3A1):c.3466C>T (p.His1156Tyr)

Gene: COL3A1 (collagen type III alpha 1 chain; plus strand). Cytogenetic location: 2q32.2.
Variant type: single nucleotide variant.
Coding change: c.3466C>T on transcript NM_000090.4 (MANE Select); coding-DNA position 3466, C replaced by T.
Protein change: p.His1156Tyr; replaces histidine 1156 with tyrosine.
Molecular consequence: missense variant.
Genome position (GRCh38, 1-based): chr2:189,008,083, C>T. VCF-style: chr2-189008083-C-T. GRCh37 (hg19) VCF-style: chr2-189872809-C-T.
Other names: short protein forms H1156Y.
Identifiers: ClinVar variation 661052 (VCV000661052.16), dbSNP rs776814693, ClinGen allele CA076136.
Genomic context (GRCh38, chr2:189,008,083, plus strand): 5'-ATACTTTCTTAGGGACCTGTTGGACCCAGTGGACCTCCTGGCAAAGATGGAACCAGTGGA[C>T]ATCCAGGTCCCATTGGACCACCAGGGCCTCGAGGTAACAGAGGTGAAAGAGGATCTGAGG-3'
Protein context (NP_000081.2, residues 1146-1166): GPPGKDGTSG[His1156Tyr]PGPIGPPGPR